The following is an entry in ClinVar:

ClinVar aggregate classification (germline): Pathogenic. Review status: criteria provided, multiple submitters, no conflicts (2 of 4 stars). 4 submissions from 4 submitters: Pathogenic (4). Last evaluated 2025-03-26.

Conditions:
Long QT syndrome (LQTS). Identifiers: MedGen C0023976, MeSH D008133, MONDO:0002442. Disease mechanism: loss of function. Inheritance: Various modes of inheritance.
Long QT syndrome 2 (LQT2). Identifiers: Orphanet 101016, Orphanet 768, MedGen C3150943, MONDO:0013367, OMIM 613688.
Cardiovascular phenotype. Identifiers: MedGen CN230736.

Submissions (4):

Labcorp Genetics (formerly Invitae), Labcorp
Classification: Pathogenic for Long QT syndrome. Last evaluated: 2025-03-26. Review status: criteria provided, single submitter. Criteria: Invitae Variant Classification Sherloc (09022015). Collection method: clinical testing. Allele origin: germline.
Comment: This sequence change creates a premature translational stop signal (p.Ala79Aspfs*63) in the KCNH2 gene. It is expected to result in an absent or disrupted protein product. Loss-of-function variants in KCNH2 are known to be pathogenic (PMID: 10973849, 19862833). This variant is not present in population databases (gnomAD no frequency). This premature translational stop signal has been observed in individual(s) with long QT syndrome (PMID: 19668779). ClinVar contains an entry for this variant (Variation ID: 264104). For these reasons, this variant has been classified as Pathogenic.

Petrovsky National Research Centre of Surgery, The Federal Agency for Scientific Organizations
Classification: Pathogenic for Long QT syndrome 2. Last evaluated: 2022-11-28. Review status: criteria provided, single submitter. Criteria: ACMG Guidelines, 2015. Collection method: clinical testing. Allele origin: germline. Inheritance: Autosomal dominant inheritance. Affected: yes. Observed: 1 heterozygote.
Comment: This variant is absent in Genome Aggregation Database (gnomAD) (date of access 2022-11-22). Functional analysis shows this mutation leads to a loss of hERG potassium channel function (PMID: 19668779). The variant has been reported in several articles (PMID: 36102233, 23098067, 19716085, 19668779). ClinVar contains entry on this variant (Variation ID: 264104). In accordance with ACMG(2015) criteria this variant is classified as Pathogenic with following criteria selected: PVS1, PS3, PS4_moderate, PM2.

Mayo Clinic Laboratories, Mayo Clinic
Classification: Pathogenic. Last evaluated: 2020-04-13. Review status: criteria provided, single submitter. Criteria: ACMG Guidelines, 2015. Collection method: clinical testing. Allele origin: germline. Observed: 1 variant allele.
Comment: PVS1, PS3, PS4_Moderate, PM2

Ambry Genetics
Classification: Pathogenic for Cardiovascular phenotype. Last evaluated: 2015-06-04. Review status: criteria provided, single submitter. Criteria: Ambry Variant Classification Scheme 2023. Collection method: clinical testing. Allele origin: germline.
Comment: The c.234_241delTGCCGCGC pathogenic mutation, located in coding exon 2 of the KCNH2 gene, results from a deletion of 8 nucleotides between positions 234 and 241, causing a translational frameshift with a predicted alternate stop codon. This mutation was detected in a proband with sports-induced syncope in childhood, atypical ECG findings, and family history which included seizures, dizziness, and abnormal ECG findings consistent with LQTS2 (Keller DI et al. Can J Cardiol 2009;25(8):455-62). In another study, this mutation was detected in two of 2500 individuals referred for LQTS-related genetic testing (Kapplinger JD et al. Heart Rhythm 2009;6(9):1297-303). In addition to the clinical data presented in the literature, since frameshifts are typically deleterious in nature, this alteration is interpreted as a disease-causing mutation (ACMG Recommendations for Standards for Interpretation and Reporting of Sequence Variations. Revision 2007. Genet Med. 2008;10:294).

Literature cited by the submitters: PubMed 10973849 (cited by Labcorp Genetics (formerly Invitae), Labcorp); PubMed 19862833 (cited by Labcorp Genetics (formerly Invitae), Labcorp); PubMed 19668779 (cited by 4 submitters); PubMed 36102233 (cited by Petrovsky National Research Centre of Surgery, The Federal Agency for Scientific Organizations); PubMed 23098067 (cited by 3 submitters); PubMed 19716085 (cited by 3 submitters).

NM_000238.4(KCNH2):c.234_241del (p.Ala79fs)

Gene: KCNH2 (potassium voltage-gated channel subfamily H member 2; minus strand). Cytogenetic location: 7q36.1.
Variant type: Deletion.
Coding change: c.234_241del on transcript NM_000238.4 (MANE Select); coding-DNA positions 234 to 241, 8 bases deleted (TGCCGCGC; older notation c.234_241delTGCCGCGC).
Protein change: p.Ala79fs; shifts the reading frame from alanine 79.
Molecular consequence: frameshift variant.
Genome position (GRCh38, 1-based): chr7:150,974,777-150,974,784, GCGCGGCA deleted on the plus strand (TGCCGCGC on the coding strand, the reverse complement: KCNH2 is on the minus strand); deleting any 8 consecutive bases within chr7:150,974,777-150,974,791 gives the same sequence; the c. name uses the placement nearest the transcript's 3' end. VCF-style (leftmost placement, unchanged base first): chr7-150974776-TGCGCGGCA-T. GRCh37 (hg19) VCF-style: chr7-150671864-TGCGCGGCA-T.
Other names: p.Ala79AspfsTer63; c.50_57delGCCGCGCT, p.Ala20Aspfs (NM_001406755.1); c.227_234delGCCGCGCT, p.Ala79Aspfs (NM_172056.3); c.234_241del8 (NM_000238.3); c.234_241delTGCCGCGC (NM_000238.3); short protein forms A79fs.
Identifiers: ClinVar variation 264104 (VCV000264104.14), dbSNP rs886039045, ClinGen allele CA10587645.
Genomic context (GRCh38, chr7:150,974,776, plus strand): 5'-TTCCGGTAGAAGGCGATTTCCACTTTGCGCTCCTCGGCGCCCAGCAGTGCCTGCGCGATC[TGCGCGGCA>T]GCGCGGCGCTGCGTGCGCGGCCCGTGCAGGAAGTCGCAGGTGCAGGGTCGCTGCATCACC-3'